The following is an entry in ClinVar:

NM_021625.5(TRPV4):c.581G>A (p.Cys194Tyr)

Gene: TRPV4 (transient receptor potential cation channel subfamily V member 4; minus strand). Cytogenetic location: 12q24.11.
Variant type: single nucleotide variant.
Coding change: c.581G>A on transcript NM_021625.5 (MANE Select); coding-DNA position 581, G replaced by A.
Protein change: p.Cys194Tyr; replaces cysteine 194 with tyrosine.
Molecular consequence: missense variant.
Genome position (GRCh38, 1-based): chr12:109,803,122, C>T on the plus strand (G>A on the coding strand, the complement: TRPV4 is on the minus strand). VCF-style: chr12-109803122-C-T. GRCh37 (hg19) VCF-style: chr12-110240927-C-T.
Other names: c.581G>A, p.Cys194Tyr (NM_001177428.2, NM_001177433.2, NM_147204.3); c.479G>A, p.Cys160Tyr (NM_001177431.2); short protein forms C160Y, C194Y.
Identifiers: ClinVar variation 1008807 (VCV001008807.8), dbSNP rs1890914888, ClinGen allele CA386656234.
Genomic context (GRCh38, chr12:109,803,122, plus strand): 5'-AGCAGCACAGGGATGGTGTCGTTGCGGCCATTGCTCAGGTTCAGCAAGGCCTTGGGCAGG[C>T]AGGTCTTCCCCGTAGATGGCTCTAGCAAGAGAGACACACAAGATGACGCAGTGCTCCAGC-3'
Protein context (NP_067638.3, residues 184-204): EFREPSTGKT[Cys194Tyr]LPKALLNLSN

ClinVar aggregate classification (germline): Uncertain significance (1 of 4 stars; one submission).

Conditions:
Charcot-Marie-Tooth disease axonal type 2C (HMSN2C). Also called: Charcot-Marie-Tooth Disease Type 2, TRPV4-Related (CMT2C); CHARCOT-MARIE-TOOTH DISEASE, AXONAL, AUTOSOMAL DOMINANT, TYPE 2C; Charcot-Marie-Tooth Neuropathy Type 2C. Identifiers: Orphanet 99937, MedGen C1853710, MONDO:0011633, OMIM 606071.

Submission:

Labcorp Genetics (formerly Invitae), Labcorp
Classification: Uncertain significance for Charcot-Marie-Tooth disease axonal type 2C. Last evaluated: 2022-02-24. Review status: criteria provided, single submitter. Criteria: Invitae Variant Classification Sherloc (09022015). Collection method: clinical testing. Allele origin: germline.
Comment: In summary, the available evidence is currently insufficient to determine the role of this variant in disease. Therefore, it has been classified as a Variant of Uncertain Significance. Advanced modeling of protein sequence and biophysical properties (such as structural, functional, and spatial information, amino acid conservation, physicochemical variation, residue mobility, and thermodynamic stability) performed at Invitae indicates that this missense variant is expected to disrupt TRPV4 protein function. ClinVar contains an entry for this variant (Variation ID: 1008807). This variant has not been reported in the literature in individuals affected with TRPV4-related conditions. This variant is not present in population databases (gnomAD no frequency). This sequence change replaces cysteine, which is neutral and slightly polar, with tyrosine, which is neutral and polar, at codon 194 of the TRPV4 protein (p.Cys194Tyr).